The following is an entry in ClinVar:

NM_001385125.1(OPN1SW):c.217G>A (p.Val73Met)

Gene: OPN1SW (opsin 1, short wave sensitive; minus strand). Cytogenetic location: 7q32.1.
Variant type: single nucleotide variant.
Coding change: c.217G>A on transcript NM_001385125.1 (MANE Select); coding-DNA position 217, G replaced by A.
Protein change: p.Val73Met; replaces valine 73 with methionine.
Molecular consequence: missense variant.
Genome position (GRCh38, 1-based): chr7:128,775,565, C>T on the plus strand (G>A on the coding strand, the complement: OPN1SW is on the minus strand). VCF-style: chr7-128775565-C-T. GRCh37 (hg19) VCF-style: chr7-128415619-C-T.
Other names: NM_001708.2:c.226G>A; short protein forms V73M.
Identifiers: ClinVar variation 2415912 (VCV002415912.7), dbSNP rs767165831, ClinGen allele CA4473025.
Genomic context (GRCh38, chr7:128,775,565, plus strand): 5'-AGCTGGCGACGAAGACAGGGAAGACAGAGAAGATGCAGAGGAGGAAGCCTCCGAAGGACA[C>T]GTTGACCAGAATGTAGTTGAGGGGCTGCCGCAACTTTTTGTAGCGCAGTGTGGCCACCAG-3'
Protein context (NP_001372054.1, residues 63-83): RQPLNYILVN[Val73Met]SFGGFLLCIF

ClinVar aggregate classification (germline): Uncertain significance. Review status: criteria provided, multiple submitters, no conflicts (2 of 4 stars). 2 submissions from 2 submitters: Uncertain significance (2). Last evaluated 2024-06-11.

Allele frequency attached by ClinVar (database versions not stated): ExAC 0.00001; gnomAD 0.00001; gnomAD exomes 0.00001; TOPMed 0.00002.
gnomAD v4.1: 14 of 1,613,990 alleles (0.00087%); highest among the groups gnomAD compares: East Asian, 0.0022%; no homozygotes.

Submissions (2):

Ambry Genetics
Classification: Uncertain significance. Last evaluated: 2024-06-11. Review status: criteria provided, single submitter. Criteria: Ambry Variant Classification Scheme 2023. Collection method: clinical testing. Allele origin: germline.

Labcorp Genetics (formerly Invitae), Labcorp
Classification: Uncertain significance. Last evaluated: 2023-11-14. Review status: criteria provided, single submitter. Criteria: Invitae Variant Classification Sherloc (09022015). Collection method: clinical testing. Allele origin: germline.
Comment: This sequence change replaces valine, which is neutral and non-polar, with methionine, which is neutral and non-polar, at codon 76 of the OPN1SW protein (p.Val76Met). This variant is not present in population databases (gnomAD no frequency). This variant has not been reported in the literature in individuals affected with OPN1SW-related conditions. ClinVar contains an entry for this variant (Variation ID: 2415912). An algorithm developed to predict the effect of missense changes on protein structure and function (PolyPhen-2) suggests that this variant is likely to be disruptive. In summary, the available evidence is currently insufficient to determine the role of this variant in disease. Therefore, it has been classified as a Variant of Uncertain Significance.